The following is an entry in ClinVar:

NM_001006658.3(CR2):c.517A>G (p.Ile173Val)

Gene: CR2 (complement C3d receptor 2; plus strand). Cytogenetic location: 1q32.2.
Variant type: single nucleotide variant.
Coding change: c.517A>G on transcript NM_001006658.3 (MANE Select); coding-DNA position 517, A replaced by G.
Protein change: p.Ile173Val; replaces isoleucine 173 with valine.
Molecular consequence: missense variant.
Genome position (GRCh38, 1-based): chr1:207,468,598, A>G. VCF-style: chr1-207468598-A-G. GRCh37 (hg19) VCF-style: chr1-207641943-A-G.
Other names: c.517A>G, p.Ile173Val (NM_001877.5); c.517A>G (NM_001006658.2); short protein forms I173V.
Identifiers: ClinVar variation 1378566 (VCV001378566.7), dbSNP rs1256350974, ClinGen allele CA344525650.

ClinVar aggregate classification (germline): Uncertain significance. Review status: criteria provided, multiple submitters, no conflicts (2 of 4 stars). 2 submissions from 2 submitters: Uncertain significance (2). Last evaluated 2025-09-28.

Conditions:
Inborn genetic diseases. Identifiers: MedGen C0950123, MeSH D030342.
Immunodeficiency, common variable, 7. Identifiers: Orphanet 1572, Orphanet 696894, MedGen C3542922, MONDO:0013862, OMIM 614699.

Allele frequency attached by ClinVar (database versions not stated): gnomAD exomes below 0.00001 and 0.00001.
gnomAD v4.1: 15 of 1,614,012 alleles (0.00093%); highest among the groups gnomAD compares: Non-Finnish European, 0.0012%; no homozygotes.

Submissions (2):

Ambry Genetics
Classification: Uncertain significance for Inborn genetic diseases. Last evaluated: 2025-09-28. Review status: criteria provided, single submitter. Criteria: Ambry Variant Classification Scheme 2023. Collection method: clinical testing. Allele origin: germline.

Labcorp Genetics (formerly Invitae), Labcorp
Classification: Uncertain significance for Immunodeficiency, common variable, 7. Last evaluated: 2021-08-29. Review status: criteria provided, single submitter. Criteria: Invitae Variant Classification Sherloc (09022015). Collection method: clinical testing. Allele origin: germline.
Comment: In summary, the available evidence is currently insufficient to determine the role of this variant in disease. Therefore, it has been classified as a Variant of Uncertain Significance. Algorithms developed to predict the effect of missense changes on protein structure and function output the following: SIFT: "Tolerated"; PolyPhen-2: "Benign"; Align-GVGD: "Class C0". The valine amino acid residue is found in multiple mammalian species, which suggests that this missense change does not adversely affect protein function. This variant has not been reported in the literature in individuals affected with CR2-related conditions. This variant is not present in population databases (ExAC no frequency). This sequence change replaces isoleucine with valine at codon 173 of the CR2 protein (p.Ile173Val). The isoleucine residue is weakly conserved and there is a small physicochemical difference between isoleucine and valine.